The following is an entry in ClinVar:

ClinVar aggregate classification (germline): Uncertain significance (1 of 4 stars; one submission).

Submission:

GeneDx
Classification: Uncertain significance. Last evaluated: 2023-12-21. Review status: criteria provided, single submitter. Criteria: GeneDx Variant Classification Process June 2021. Collection method: clinical testing. Allele origin: germline. Affected: yes.
Comment: Not observed at significant frequency in large population cohorts (gnomAD); Frameshift variant in an alternate transcript of the gene for which loss-of-function is not an established mechanism of disease; Has not been previously published as pathogenic or benign to our knowledge

NM_138927.4(SON):c.7256del (p.Cys2419fs)

Gene: SON (SON DNA and RNA binding protein; plus strand). Cytogenetic location: 21q22.11.
Variant type: Deletion.
Coding change: c.7256del on transcript NM_138927.4 (MANE Select); coding-DNA position 7256, one base deleted (G; older notation c.7256delG).
Protein change: p.Cys2419fs; shifts the reading frame from cysteine 2419.
Molecular consequence: frameshift variant.
Genome position (GRCh38, 1-based): chr21:33,576,399, G deleted. VCF-style (leftmost placement, unchanged base first): chr21-33576398-TG-T. GRCh37 (hg19) VCF-style: chr21-34948704-TG-T.
Other names: c.1340del, p.Cys447fs (NM_001291412.3); short protein forms C2419fs, C447fs.
Identifiers: ClinVar variation 3364865 (VCV003364865.1).
Genomic context (GRCh38, chr21:33,576,398, plus strand): 5'-TTCTTATTGTATGTTTTTCTTGAATAGGTATTGAGAAATGGAGCCCTTACCAGACCCAAT[TG>T]TATGTTTTTCTTGAATAGGTATTGATAAATGGAAGCGCTTACCAGCCCAGCTTTGCCAGC-3'